The following is an entry in ClinVar:

ClinVar aggregate classification (germline): Uncertain significance (1 of 4 stars; one submission).

Conditions:
Hereditary cancer-predisposing syndrome. Also called: Neoplastic Syndromes, Hereditary; Hereditary Cancer Syndrome; Hereditary neoplastic syndrome; Tumor predisposition. Identifiers: Orphanet 140162, MedGen C0027672, MeSH D009386, MONDO:0015356.

Submission:

Ambry Genetics
Classification: Uncertain significance for Hereditary cancer-predisposing syndrome. Last evaluated: 2023-05-19. Review status: criteria provided, single submitter. Criteria: Ambry Variant Classification Scheme 2023. Collection method: clinical testing. Allele origin: germline.
Comment: The p.H944D variant (also known as c.2830C>G), located in coding exon 17 of the PTCH1 gene, results from a C to G substitution at nucleotide position 2830. The histidine at codon 944 is replaced by aspartic acid, an amino acid with similar properties. This amino acid position is conserved. In addition, this alteration is predicted to be deleterious by in silico analysis. Since supporting evidence is limited at this time, the clinical significance of this alteration remains unclear.

NM_000264.5(PTCH1):c.2830C>G (p.His944Asp)

Gene: PTCH1 (patched 1; minus strand). Cytogenetic location: 9q22.32.
Variant type: single nucleotide variant.
Coding change: c.2830C>G on transcript NM_000264.5 (MANE Select); coding-DNA position 2830, C replaced by G.
Protein change: p.His944Asp; replaces histidine 944 with aspartic acid.
Molecular consequence: missense variant. On other transcripts: non-coding transcript variant (1).
Genome position (GRCh38, 1-based): chr9:95,459,657, G>C on the plus strand (C>G on the coding strand, the complement: PTCH1 is on the minus strand). VCF-style: chr9-95459657-G-C. GRCh37 (hg19) VCF-style: chr9-98221939-G-C.
Other names: c.2632C>G, p.His878Asp (NM_001083602.3); c.2827C>G, p.His943Asp (NM_001083603.3); c.2377C>G, p.His793Asp (NM_001083604.3, NM_001083605.3, NM_001083606.3 and 1 more transcripts); c.2674C>G, p.His892Asp (NM_001354918.2); short protein forms H878D, H944D, H793D, H892D, H943D.
Identifiers: ClinVar variation 2564398 (VCV002564398.2), dbSNP rs1588544426, ClinGen allele CA374112992.